The following is an entry in ClinVar:

ClinVar aggregate classification (germline): Likely benign (0 of 4 stars; one submission).

Conditions:
OPTN-related disorder. Also called: OPTN-related condition; OPTN-related disorders.

Allele frequency attached by ClinVar (database versions not stated): ExAC 0.00001; gnomAD 0.00002; gnomAD exomes 0.00002; TOPMed 0.00003.
gnomAD v4.1: 24 of 1,591,286 alleles (0.0015%); highest among the groups gnomAD compares: Non-Finnish European, 0.0021%; no homozygotes.

Submission:

PreventionGenetics, part of Exact Sciences
Classification: Likely benign for OPTN-related condition. Last evaluated: 2023-05-11. Review status: no assertion criteria provided. Collection method: clinical testing. Allele origin: germline.
Comment: This variant is classified as likely benign based on ACMG/AMP sequence variant interpretation guidelines (Richards et al. 2015 PMID: 25741868, with internal and published modifications).

NM_001008212.2(OPTN):c.553-6T>G

Gene: OPTN (optineurin; plus strand). Cytogenetic location: 10p13.
Variant type: single nucleotide variant.
Coding change: c.553-6T>G on transcript NM_001008212.2 (MANE Select); 6 bases into the intron before coding-DNA position 553, T replaced by G.
Molecular consequence: intron variant.
Genome position (GRCh38, 1-based): chr10:13,116,261, T>G. VCF-style: chr10-13116261-T-G. GRCh37 (hg19) VCF-style: chr10-13158261-T-G.
Other names: c.553-6T>G (NM_001008211.1, NM_001008213.1, NM_021980.4).
Identifiers: ClinVar variation 3036092 (VCV003036092.2), dbSNP rs746690111, ClinGen allele CA5410668.
Genomic context (GRCh38, chr10:13,116,261, plus strand): 5'-TCTTTTGACAAAGAATTTGTCTTGTAGACATATTGTGTTAAATCCCTTGCATTTCTGTTT[T>G]CACAGGAAGGAGAAGCAGAAGGGTCAGTAAAAGAAATCAAGCATAGTCCTGGGCCCACGA-3'